The following is an entry in ClinVar:

NM_006516.4(SLC2A1):c.1031T>C (p.Met344Thr)

Gene: SLC2A1 (solute carrier family 2 member 1; minus strand). Cytogenetic location: 1p34.2.
Variant type: single nucleotide variant.
Coding change: c.1031T>C on transcript NM_006516.4 (MANE Select); coding-DNA position 1031, T replaced by C.
Protein change: p.Met344Thr; replaces methionine 344 with threonine.
Molecular consequence: missense variant.
Genome position (GRCh38, 1-based): chr1:42,928,975, A>G on the plus strand (T>C on the coding strand, the complement: SLC2A1 is on the minus strand). VCF-style: chr1-42928975-A-G. GRCh37 (hg19) VCF-style: chr1-43394646-A-G.
Other names: short protein forms M344T.
Identifiers: ClinVar variation 4075740 (VCV004075740.1).

ClinVar aggregate classification (germline): Uncertain significance (1 of 4 stars; one submission).

Submission:

GeneDx
Classification: Uncertain significance. Last evaluated: 2025-02-12. Review status: criteria provided, single submitter. Criteria: GeneDx Variant Classification Process June 2021. Collection method: clinical testing. Allele origin: germline. Affected: yes.
Comment: Not observed at significant frequency in large population cohorts (gnomAD); In silico analysis supports that this missense variant has a deleterious effect on protein structure/function; This variant is associated with the following publications: (PMID: 36965413, 25487684, 22011817)